The following is an entry in ClinVar:

ClinVar aggregate classification (germline): Uncertain significance. Review status: criteria provided, multiple submitters, no conflicts (2 of 4 stars). 2 submissions from 2 submitters: Uncertain significance (2). Last evaluated 2025-03-31.

Allele frequency attached by ClinVar (database versions not stated): TOPMed below 0.00001.

Submissions (2):

Labcorp Genetics (formerly Invitae), Labcorp
Classification: Uncertain significance. Last evaluated: 2025-03-31. Review status: criteria provided, single submitter. Criteria: Invitae Variant Classification Sherloc (09022015). Collection method: clinical testing. Allele origin: germline.
Comment: This sequence change replaces proline, which is neutral and non-polar, with threonine, which is neutral and polar, at codon 187 of the COL4A1 protein (p.Pro187Thr). This variant is not present in population databases (gnomAD no frequency). This variant has not been reported in the literature in individuals affected with COL4A1-related conditions. ClinVar contains an entry for this variant (Variation ID: 422572). Invitae Evidence Modeling of protein sequence and biophysical properties (such as structural, functional, and spatial information, amino acid conservation, physicochemical variation, residue mobility, and thermodynamic stability) indicates that this missense variant is not expected to disrupt COL4A1 protein function with a negative predictive value of 95%. In summary, the available evidence is currently insufficient to determine the role of this variant in disease. Therefore, it has been classified as a Variant of Uncertain Significance.

GeneDx
Classification: Uncertain significance. Last evaluated: 2024-11-26. Review status: criteria provided, single submitter. Criteria: GeneDx Variant Classification Process June 2021. Collection method: clinical testing. Allele origin: germline. Affected: yes.
Comment: Not observed in large population cohorts (gnomAD); In silico analysis supports that this missense variant has a deleterious effect on protein structure/function; Has not been previously published as pathogenic or benign to our knowledge; Occurs in the triple helical domain at the Y position in the canonical Gly-X-Y repeat; although this variant may have an effect on normal protein folding and function, missense substitution at the Y position is not a common mechanism of disease (HGMD)

NM_001845.6(COL4A1):c.559C>A (p.Pro187Thr)

Gene: COL4A1 (collagen type IV alpha 1 chain; minus strand). Cytogenetic location: 13q34.
Variant type: single nucleotide variant.
Coding change: c.559C>A on transcript NM_001845.6 (MANE Select); coding-DNA position 559, C replaced by A.
Protein change: p.Pro187Thr; replaces proline 187 with threonine.
Molecular consequence: missense variant.
Genome position (GRCh38, 1-based): chr13:110,210,036, G>T on the plus strand (C>A on the coding strand, the complement: COL4A1 is on the minus strand). VCF-style: chr13-110210036-G-T. GRCh37 (hg19) VCF-style: chr13-110862383-G-T.
Other names: c.559C>A, p.Pro187Thr (NM_001303110.2); short protein forms P187T.
Identifiers: ClinVar variation 422572 (VCV000422572.12), dbSNP rs1064795868, ClinGen allele CA16619616.